The following is an entry in ClinVar:

NM_001903.5(CTNNA1):c.1833dup (p.Ile612fs)

Gene: CTNNA1 (catenin alpha 1; plus strand). Cytogenetic location: 5q31.2.
Variant type: Duplication.
Coding change: c.1833dup on transcript NM_001903.5 (MANE Select); coding-DNA position 1833, one base duplicated (T; older notation c.1833dupT).
Protein change: p.Ile612fs; shifts the reading frame from isoleucine 612.
Molecular consequence: frameshift variant.
Genome position (GRCh38, 1-based): chr5:138,925,341, T duplicated; the last of 3 consecutive T bases (chr5:138,925,339-138,925,341); duplicating any one gives the same sequence. VCF-style (leftmost placement, unchanged base first): chr5-138925338-G-GT. GRCh37 (hg19) VCF-style: chr5-138261027-G-GT.
Other names: c.1833dup, p.Ile612fs (NM_001290307.3, NM_001323982.2, NM_001323983.1 and 2 more transcripts); c.1524dup, p.Ile509fs (NM_001290309.3); c.1464dup, p.Ile489fs (NM_001290310.3); c.723dup, p.Ile242fs (NM_001290312.1, NM_001323987.1, NM_001323988.1 and 17 more transcripts); c.1740dup, p.Ile581fs (NM_001323986.2); c.384dup, p.Ile129fs (NM_001324006.1, NM_001324007.1, NM_001324008.1 and 2 more transcripts); c.630dup, p.Ile211fs (NM_001324011.1); c.480dup, p.Ile161fs (NM_001324012.1, NM_001324013.1); short protein forms I161fs, I489fs, I129fs, I211fs, I612fs, I242fs, I509fs, I581fs.
Identifiers: ClinVar variation 2004125 (VCV002004125.4), dbSNP rs2533735074, ClinGen allele CA2580072895.

ClinVar aggregate classification (germline): Pathogenic (1 of 4 stars; one submission).

Submission:

Labcorp Genetics (formerly Invitae), Labcorp
Classification: Pathogenic. Last evaluated: 2023-05-15. Review status: criteria provided, single submitter. Criteria: Invitae Variant Classification Sherloc (09022015). Collection method: clinical testing. Allele origin: germline.
Comment: For these reasons, this variant has been classified as Pathogenic. ClinVar contains an entry for this variant (Variation ID: 2004125). This variant has not been reported in the literature in individuals affected with CTNNA1-related conditions. This variant is not present in population databases (gnomAD no frequency). This sequence change creates a premature translational stop signal (p.Ile612Tyrfs*9) in the CTNNA1 gene. It is expected to result in an absent or disrupted protein product. Loss-of-function variants in CTNNA1 are known to be pathogenic (PMID: 32051609, 34425242).

Literature cited by the submitters: PubMed 32051609; PubMed 34425242.